The following is an entry in ClinVar:

NM_005732.4(RAD50):c.3320T>C (p.Met1107Thr)

Gene: RAD50 (RAD50 double strand break repair protein; plus strand). Cytogenetic location: 5q31.1.
Variant type: single nucleotide variant.
Coding change: c.3320T>C on transcript NM_005732.4 (MANE Select); coding-DNA position 3320, T replaced by C.
Protein change: p.Met1107Thr; replaces methionine 1107 with threonine.
Molecular consequence: missense variant.
Genome position (GRCh38, 1-based): chr5:132,618,225, T>C. VCF-style: chr5-132618225-T-C. GRCh37 (hg19) VCF-style: chr5-131953917-T-C.
Other names: c.3320T>C (NM_005732.3); short protein forms M1107T.
Identifiers: ClinVar variation 1394341 (VCV001394341.9), dbSNP rs2149853950, ClinGen allele CA360964855.
Genomic context (GRCh38, chr5:132,618,225, plus strand): 5'-ATTTTAAGAAAGAACTTCGAGAACCACAATTTCGGGATGCTGAGGAAAAGTATAGAGAAA[T>C]GATGATTGTTATGAGGACAACAGAACTTGTGAACAAGGATCTGGATATTTATTATAAGAC-3'
Protein context (NP_005723.2, residues 1097-1117): FRDAEEKYRE[Met1107Thr]MIVMRTTELV

ClinVar aggregate classification (germline): Uncertain significance. Review status: criteria provided, multiple submitters, no conflicts (2 of 4 stars). 2 submissions from 2 submitters: Uncertain significance (2). Last evaluated 2023-06-01.

Conditions:
Hereditary cancer-predisposing syndrome. Also called: Neoplastic Syndromes, Hereditary; Hereditary neoplastic syndrome; Tumor predisposition; Hereditary Cancer Syndrome. Identifiers: Orphanet 140162, MedGen C0027672, MeSH D009386, MONDO:0015356.

Submissions (2):

Ambry Genetics
Classification: Uncertain significance for Hereditary cancer-predisposing syndrome. Last evaluated: 2023-06-01. Review status: criteria provided, single submitter. Criteria: Ambry Variant Classification Scheme 2023. Collection method: clinical testing. Allele origin: germline.
Comment: The p.M1107T variant (also known as c.3320T>C), located in coding exon 21 of the RAD50 gene, results from a T to C substitution at nucleotide position 3320. The methionine at codon 1107 is replaced by threonine, an amino acid with similar properties. This amino acid position is conserved. In addition, this alteration is predicted to be tolerated by in silico analysis. Since supporting evidence is limited at this time, the clinical significance of this alteration remains unclear.

Labcorp Genetics (formerly Invitae), Labcorp
Classification: Uncertain significance for Hereditary cancer-predisposing syndrome. Last evaluated: 2021-07-03. Review status: criteria provided, single submitter. Criteria: Invitae Variant Classification Sherloc (09022015). Collection method: clinical testing. Allele origin: germline.
Comment: This sequence change replaces methionine with threonine at codon 1107 of the RAD50 protein (p.Met1107Thr). The methionine residue is moderately conserved and there is a moderate physicochemical difference between methionine and threonine. This variant is not present in population databases (ExAC no frequency). This variant has not been reported in the literature in individuals with RAD50-related conditions. Algorithms developed to predict the effect of missense changes on protein structure and function (SIFT, PolyPhen-2, Align-GVGD) all suggest that this variant is likely to be tolerated, but these predictions have not been confirmed by published functional studies and their clinical significance is uncertain. In summary, the available evidence is currently insufficient to determine the role of this variant in disease. Therefore, it has been classified as a Variant of Uncertain Significance.